The following is an entry in ClinVar:

NM_003482.4(KMT2D):c.11133T>C (p.Pro3711=)

Gene: KMT2D (lysine methyltransferase 2D; minus strand). Cytogenetic location: 12q13.12.
Variant type: single nucleotide variant.
Coding change: c.11133T>C on transcript NM_003482.4 (MANE Select); coding-DNA position 11133, T replaced by C.
Protein change: p.Pro3711=; no amino-acid change (proline 3711 retained).
Molecular consequence: synonymous variant.
Genome position (GRCh38, 1-based): chr12:49,033,572, A>G on the plus strand (T>C on the coding strand, the complement: KMT2D is on the minus strand). VCF-style: chr12-49033572-A-G. GRCh37 (hg19) VCF-style: chr12-49427355-A-G.
Identifiers: ClinVar variation 3628637 (VCV003628637.3).
Genomic context (GRCh38, chr12:49,033,572, plus strand): 5'-GGCCAGCTGCATACGTTGCTGCTGCAGCTGCAGCTGCCTTTCCTGTAAAAGCCTTGAATC[A>G]GGTCCGAGGCTTCGAAGAGCAAGGTTGCCAGGGAAGAAGCCCCCTGAAGGGCCAGCCAGG-3'
Protein context (NP_003473.3, residues 3701-3721): PGNLALRSLG[Pro3711=]DSRLLQERQL

ClinVar aggregate classification (germline): Likely benign. Review status: criteria provided, multiple submitters, no conflicts (2 of 4 stars). 2 submissions from 2 submitters: Likely benign (2). Last evaluated 2025-05-07.

Conditions:
KMT2D-related disorder. Also called: KMT2D-Related Disorders.
Kabuki syndrome. Also called: Kabuki make-up syndrome; NIIKAWA-KUROKI SYNDROME. Identifiers: Orphanet 2322, MedGen C0796004, MONDO:0016512.

gnomAD v4.1: 4 of 1,613,296 alleles (0.00025%); highest among the groups gnomAD compares: African/African-American, 0.0053%; no homozygotes.

Submissions (2):

PreventionGenetics, part of Exact Sciences
Classification: Likely benign for KMT2D-related condition. Last evaluated: 2025-05-07. Review status: criteria provided, single submitter. Criteria: ACMG Guidelines, 2015. Collection method: clinical testing. Allele origin: germline.
Comment: This variant is classified as likely benign based on ACMG/AMP sequence variant interpretation guidelines (Richards et al. 2015 PMID: 25741868, with internal and published modifications).

Labcorp Genetics (formerly Invitae), Labcorp
Classification: Likely benign for Kabuki syndrome. Last evaluated: 2024-05-14. Review status: criteria provided, single submitter. Criteria: Invitae Variant Classification Sherloc (09022015). Collection method: clinical testing. Allele origin: germline.